The following is an entry in ClinVar:

NM_012238.5(SIRT1):c.446G>A (p.Gly149Asp)

Gene: SIRT1 (sirtuin 1; plus strand). Cytogenetic location: 10q21.3.
Variant type: single nucleotide variant.
Coding change: c.446G>A on transcript NM_012238.5 (MANE Select); coding-DNA position 446, G replaced by A.
Protein change: p.Gly149Asp; replaces glycine 149 with aspartic acid.
Molecular consequence: missense variant. On other transcripts: 5 prime UTR variant (1).
Genome position (GRCh38, 1-based): chr10:67,887,432, G>A. VCF-style: chr10-67887432-G-A. GRCh37 (hg19) VCF-style: chr10-69647190-G-A.
Other names: c.446G>A (NM_012238.4); c.-198G>A (NM_001142498.2); short protein forms G149D.
Identifiers: ClinVar variation 1421949 (VCV001421949.9), dbSNP rs978488168, ClinGen allele CA208366210.

ClinVar aggregate classification (germline): Uncertain significance. Review status: criteria provided, multiple submitters, no conflicts (2 of 4 stars). 2 submissions from 2 submitters: Uncertain significance (2). Last evaluated 2024-02-19.

Allele frequency attached by ClinVar (database versions not stated): gnomAD 0.00006; TOPMed 0.00011.

Submissions (2):

Labcorp Genetics (formerly Invitae), Labcorp
Classification: Uncertain significance. Last evaluated: 2024-02-19. Review status: criteria provided, single submitter. Criteria: Invitae Variant Classification Sherloc (09022015). Collection method: clinical testing. Allele origin: germline.
Comment: This sequence change replaces glycine, which is neutral and non-polar, with aspartic acid, which is acidic and polar, at codon 149 of the SIRT1 protein (p.Gly149Asp). This variant is not present in population databases (gnomAD no frequency). This variant has not been reported in the literature in individuals affected with SIRT1-related conditions. ClinVar contains an entry for this variant (Variation ID: 1421949). Algorithms developed to predict the effect of missense changes on protein structure and function output the following: SIFT: "Not Available"; PolyPhen-2: "Benign"; Align-GVGD: "Not Available". The aspartic acid amino acid residue is found in multiple mammalian species, which suggests that this missense change does not adversely affect protein function. In summary, the available evidence is currently insufficient to determine the role of this variant in disease. Therefore, it has been classified as a Variant of Uncertain Significance.

Ambry Genetics
Classification: Uncertain significance. Last evaluated: 2024-01-23. Review status: criteria provided, single submitter. Criteria: Ambry Variant Classification Scheme 2023. Collection method: clinical testing. Allele origin: germline.